The following is an entry in ClinVar:

ClinVar aggregate classification (germline): Uncertain significance. Review status: criteria provided, multiple submitters, no conflicts (2 of 4 stars). 3 submissions from 3 submitters: Uncertain significance (3). Last evaluated 2026-01-28.

Conditions:
PCNT-related disorder. Also called: PCNT-related condition.

Allele frequency attached by ClinVar (database versions not stated): gnomAD exomes 0.00005; ExAC 0.00006; ESP Exome Variant Server 0.00008; gnomAD 0.00019 and 0.00021; TOPMed 0.00022.
gnomAD v4.1: 58 of 1,611,100 alleles (0.0036%); highest among the groups gnomAD compares: African/African-American, 0.071%; no homozygotes.

Submissions (3):

Labcorp Genetics (formerly Invitae), Labcorp
Classification: Uncertain significance. Last evaluated: 2026-01-28. Review status: criteria provided, single submitter. Criteria: Invitae Variant Classification Sherloc (09022015). Collection method: clinical testing. Allele origin: germline.
Comment: This sequence change replaces serine, which is neutral and polar, with cysteine, which is neutral and slightly polar, at codon 2984 of the PCNT protein (p.Ser2984Cys). This variant is present in population databases (rs376696104, gnomAD 0.08%). This variant has not been reported in the literature in individuals affected with PCNT-related conditions. ClinVar contains an entry for this variant (Variation ID: 436274). An algorithm developed to predict the effect of missense changes on protein structure and function outputs the following: PolyPhen-2: "Benign". The cysteine amino acid residue is found in multiple mammalian species, which suggests that this missense change does not adversely affect protein function. In summary, the available evidence is currently insufficient to determine the role of this variant in disease. Therefore, it has been classified as a Variant of Uncertain Significance.

PreventionGenetics, part of Exact Sciences
Classification: Uncertain significance for PCNT-related condition. Last evaluated: 2026-01-12. Review status: criteria provided, single submitter. Criteria: ACMG Guidelines, 2015. Collection method: clinical testing. Allele origin: germline.
Comment: The PCNT c.8951C>G variant is predicted to result in the amino acid substitution p.Ser2984Cys. To our knowledge, this variant has not been reported in the literature. This variant is reported in 0.084% of alleles in individuals of African descent in gnomAD. Co-occurrence analysis in gnomAD and internal data at PreventionGenetics indicate that this variant is part of a haplotype with PCNT c.7541G>A (p.Arg2514Gln) in nearly all individuals (in cis). Although we suspect that this variant may be benign, at this time, the clinical significance is uncertain due to the absence of conclusive functional and genetic evidence.

Genetic Services Laboratory, University of Chicago
Classification: Uncertain significance. Last evaluated: 2016-10-13. Review status: criteria provided, single submitter. Criteria: ACMG Guidelines, 2015. Collection method: clinical testing. Allele origin: germline. Affected: no.

NM_006031.6(PCNT):c.8951C>G (p.Ser2984Cys)

Gene: PCNT (pericentrin; plus strand). Cytogenetic location: 21q22.3.
Variant type: single nucleotide variant.
Coding change: c.8951C>G on transcript NM_006031.6 (MANE Select); coding-DNA position 8951, C replaced by G.
Protein change: p.Ser2984Cys; replaces serine 2984 with cysteine.
Molecular consequence: missense variant.
Genome position (GRCh38, 1-based): chr21:46,436,103, C>G. VCF-style: chr21-46436103-C-G. GRCh37 (hg19) VCF-style: chr21-47856016-C-G.
Other names: c.8360C>G, p.Ser2787Cys (NM_001315529.2); short protein forms S2984C, S2787C.
Identifiers: ClinVar variation 436274 (VCV000436274.11), dbSNP rs376696104, ClinGen allele CA10081130.